The following is an entry in ClinVar:

NM_004336.5(BUB1):c.3196A>G (p.Ile1066Val)

Gene: BUB1 (BUB1 mitotic checkpoint serine/threonine kinase; minus strand). Cytogenetic location: 2q13.
Variant type: single nucleotide variant.
Coding change: c.3196A>G on transcript NM_004336.5 (MANE Select); coding-DNA position 3196, A replaced by G.
Protein change: p.Ile1066Val; replaces isoleucine 1066 with valine.
Molecular consequence: missense variant.
Genome position (GRCh38, 1-based): chr2:110,638,026, T>C on the plus strand (A>G on the coding strand, the complement: BUB1 is on the minus strand). VCF-style: chr2-110638026-T-C. GRCh37 (hg19) VCF-style: chr2-111395603-T-C.
Other names: c.3136A>G, p.Ile1046Val (NM_001278616.2); c.3025A>G, p.Ile1009Val (NM_001278617.2); short protein forms I1046V, I1066V, I1009V.
Identifiers: ClinVar variation 1728714 (VCV001728714.6), dbSNP rs199818479, ClinGen allele CA1827622.

ClinVar aggregate classification (germline): Conflicting classifications of pathogenicity. Review status: criteria provided, conflicting classifications (1 of 4 stars). 2 submissions from 2 submitters: Uncertain significance (1); Benign (1). Last evaluated 2025-07-30.

Allele frequency attached by ClinVar (database versions not stated): TOPMed 0.00005; gnomAD exomes 0.00032; ESP Exome Variant Server 0.00008; gnomAD 0.00054; ExAC 0.00061.

Submissions (2):

Labcorp Genetics (formerly Invitae), Labcorp
Classification: Benign. Last evaluated: 2025-07-30. Review status: criteria provided, single submitter. Criteria: Invitae Variant Classification Sherloc (09022015). Collection method: clinical testing. Allele origin: germline.

Ambry Genetics
Classification: Uncertain significance. Last evaluated: 2024-11-01. Review status: criteria provided, single submitter. Criteria: Ambry Variant Classification Scheme 2023. Collection method: clinical testing. Allele origin: germline.
Comment: The p.I1066V variant (also known as c.3196A>G), located in coding exon 25 of the BUB1 gene, results from an A to G substitution at nucleotide position 3196. The isoleucine at codon 1066 is replaced by valine, an amino acid with highly similar properties. This amino acid position is conserved. In addition, this alteration is predicted to be tolerated by in silico analysis. Since supporting evidence is limited at this time, the clinical significance of this alteration remains unclear.